The following is an entry in ClinVar:

NM_001348323.3(TRIP12):c.5350A>C (p.Met1784Leu)

Gene: TRIP12 (thyroid hormone receptor interactor 12; minus strand). Cytogenetic location: 2q36.3.
Variant type: single nucleotide variant.
Coding change: c.5350A>C on transcript NM_001348323.3 (MANE Select); coding-DNA position 5350, A replaced by C.
Protein change: p.Met1784Leu; replaces methionine 1784 with leucine.
Molecular consequence: missense variant.
Genome position (GRCh38, 1-based): chr2:229,778,447, T>G on the plus strand (A>C on the coding strand, the complement: TRIP12 is on the minus strand). VCF-style: chr2-229778447-T-G. GRCh37 (hg19) VCF-style: chr2-230643163-T-G.
Other names: c.5269A>C, p.Met1757Leu (NM_001284214.2, NM_001348315.2); c.5224A>C, p.Met1742Leu (NM_001284215.2, NM_001348316.2); c.4315A>C, p.Met1439Leu (NM_001284216.2); c.5209A>C, p.Met1737Leu (NM_001348317.1, NM_001348318.2); c.5335A>C, p.Met1779Leu (NM_001348319.1, NM_001348320.2); c.5338A>C, p.Met1780Leu (NM_001348321.1); c.5350A>C, p.Met1784Leu (NM_001348322.1, NM_001348324.2, NM_001348325.2 and 2 more transcripts); c.5353A>C, p.Met1785Leu (NM_001348328.1, NM_001348329.2, NM_001348330.2); and 4 more; short protein forms M1439L, M1709L, M1710L, M1737L, M1742L, M1750L, M1757L, M1758L.
Identifiers: ClinVar variation 3348034 (VCV003348034.1).

ClinVar aggregate classification (germline): Uncertain significance (0 of 4 stars; one submission).

Conditions:
TRIP12-related disorder. Also called: TRIP12-related condition.

Submission:

PreventionGenetics, part of Exact Sciences
Classification: Uncertain significance for TRIP12-related condition. Last evaluated: 2024-03-27. Review status: no assertion criteria provided. Collection method: clinical testing. Allele origin: germline.
Comment: The TRIP12 c.5269A>C variant is predicted to result in the amino acid substitution p.Met1757Leu. To our knowledge, this variant has not been reported in the literature or in a large population database, indicating this variant is rare. At this time, the clinical significance of this variant is uncertain due to the absence of conclusive functional and genetic evidence.